The following is an entry in ClinVar:

NM_182476.3(COQ6):c.1139A>G (p.Asn380Ser)

Genes: COQ6 (coenzyme Q6, monooxygenase; plus strand), ENTPD5 (ectonucleoside triphosphate diphosphohydrolase 5; minus strand). Cytogenetic location: 14q24.3.
Variant type: single nucleotide variant.
Coding change: c.1139A>G on transcript NM_182476.3 (MANE Select); coding-DNA position 1139, A replaced by G.
Protein change: p.Asn380Ser; replaces asparagine 380 with serine.
Molecular consequence: missense variant. On other transcripts: intron variant (5), 3 prime UTR variant (1).
Genome position (GRCh38, 1-based): chr14:73,961,499, A>G. VCF-style: chr14-73961499-A-G. GRCh37 (hg19) VCF-style: chr14-74428202-A-G.
Other names: p.N380S:AAC>AGC; c.1201-1946T>C (NM_001382259.1, NM_001330189.2, NM_001382260.1); c.1139A>G, p.Asn380Ser (NM_001425255.1); c.1031A>G, p.Asn344Ser (NM_001425256.1); c.974A>G, p.Asn325Ser (NM_001425257.1); c.956A>G, p.Asn319Ser (NM_001425258.1); c.914A>G, p.Asn305Ser (NM_001425259.1, NM_001425260.1, NM_001425261.1); c.884A>G, p.Asn295Ser (NM_001425262.1); and 6 more; short protein forms N355S, N380S.
Identifiers: ClinVar variation 214238 (VCV000214238.10), dbSNP rs753489572, ClinGen allele CA325184.

ClinVar aggregate classification (germline): Conflicting classifications of pathogenicity. Review status: criteria provided, conflicting classifications (1 of 4 stars). 2 submissions from 2 submitters: Likely pathogenic (1); Uncertain significance (1). Last evaluated 2022-07-06.

Allele frequency attached by ClinVar (database versions not stated): gnomAD exomes 0.00002; gnomAD 0.00003; ExAC 0.00002; TOPMed 0.00004.
gnomAD v4.1: 16 of 1,614,112 alleles (0.00099%); highest among the groups gnomAD compares: African/African-American, 0.008%; no homozygotes.

Submissions (2):

Labcorp Genetics (formerly Invitae), Labcorp
Classification: Uncertain significance. Last evaluated: 2022-07-06. Review status: criteria provided, single submitter. Criteria: Invitae Variant Classification Sherloc (09022015). Collection method: clinical testing. Allele origin: germline.
Comment: This variant has not been reported in the literature in individuals affected with COQ6-related conditions. In summary, the available evidence is currently insufficient to determine the role of this variant in disease. Therefore, it has been classified as a Variant of Uncertain Significance. Algorithms developed to predict the effect of missense changes on protein structure and function (SIFT, PolyPhen-2, Align-GVGD) all suggest that this variant is likely to be disruptive. ClinVar contains an entry for this variant (Variation ID: 214238). This variant is present in population databases (rs753489572, gnomAD 0.02%). This sequence change replaces asparagine, which is neutral and polar, with serine, which is neutral and polar, at codon 380 of the COQ6 protein (p.Asn380Ser).

GeneDx
Classification: Likely pathogenic. Last evaluated: 2014-11-24. Review status: criteria provided, single submitter. Criteria: GeneDx Variant Classification (06012015). Collection method: clinical testing. Allele origin: germline. Affected: yes.
Comment: p.Asn380Ser (AAC>AGC): c.1139 A>G in exon 10 of the COQ6 gene (NM_182476.2). The N380S variant that is likely pathogenic was identified in the COQ6 gene. It has not been published as a mutation, nor has it been reported as a benign polymorphism to our knowledge. The N380S variant is a conservative amino acid substitution, which is not likely to impact secondary protein structure as these residues share similar properties. This substitution occurs at a position that is conserved across species and in silico analysis predicts this variant is probably damaging to the protein structure/function. Therefore, this variant is a strong candidate for a pathogenic mutation, however the possibility that it is a benign variant cannot be excluded. The variant is found in COQ10-MITOP panel(s).